The following is an entry in ClinVar:

NM_004309.6(ARHGDIA):c.*41A>G

Gene: ARHGDIA (Rho GDP dissociation inhibitor alpha; minus strand). Cytogenetic location: 17q25.3.
Variant type: single nucleotide variant.
Coding change: c.*41A>G on transcript NM_004309.6 (MANE Select); 41 bases downstream of the stop codon, A replaced by G.
Molecular consequence: 3 prime UTR variant. On other transcripts: missense variant (1), non-coding transcript variant (1), intron variant (2).
Genome position (GRCh38, 1-based): chr17:81,868,835, T>C on the plus strand (A>G on the coding strand, the complement: ARHGDIA is on the minus strand). VCF-style: chr17-81868835-T-C. GRCh37 (hg19) VCF-style: chr17-79826711-T-C.
Other names: c.*41A>G (NM_001185077.3, NM_001185078.3, NM_001301243.2); c.544A>G, p.Thr182Ala (NM_001301242.2); c.502+154A>G (NM_001301240.2, NM_001301241.2); short protein forms T182A.
Identifiers: ClinVar variation 1030364 (VCV001030364.1), dbSNP rs201139992, ClinGen allele CA8843173.

ClinVar aggregate classification (germline): Uncertain significance (1 of 4 stars; one submission).

Conditions:
Nephrotic syndrome, type 8 (NPHS8). Identifiers: Orphanet 656, MedGen C3808953, MONDO:0014099, OMIM 615244.

Allele frequency attached by ClinVar (database versions not stated): ExAC 0.00002; 1000 Genomes Project 0.00020.
gnomAD v4.1: 10 of 1,612,388 alleles (0.00062%); highest among the groups gnomAD compares: Admixed American, 0.015%; no homozygotes.

Submission:

Baylor Genetics
Classification: Uncertain significance for Nephrotic syndrome, type 8. Last evaluated: 2019-07-03. Review status: criteria provided, single submitter. Criteria: ACMG Guidelines, 2015. Collection method: clinical testing. Allele origin: unknown. Affected: yes.
Comment: This variant was determined to be of uncertain significance according to ACMG Guidelines, 2015 [PMID:25741868].